The following is an entry in ClinVar:

ClinVar aggregate classification (germline): Conflicting classifications of pathogenicity. Review status: criteria provided, conflicting classifications (1 of 4 stars). 3 submissions from 3 submitters: Uncertain significance (1); Likely benign (2). Last evaluated 2025-06-04.

Conditions:
Luscan-Lumish syndrome. Identifiers: Orphanet 597738, MedGen C4085873, MONDO:0014791, OMIM 616831.

Allele frequency attached by ClinVar (database versions not stated): ESP Exome Variant Server 0.00008; 1000 Genomes Project 0.00020; gnomAD exomes 0.00022; ExAC 0.00027; 1000 Genomes Project 30x 0.00031.
gnomAD v4.1: 222 of 1,614,118 alleles (0.014%); highest among the groups gnomAD compares: South Asian, 0.18%; no homozygotes.

Submissions (3):

Labcorp Genetics (formerly Invitae), Labcorp
Classification: Likely benign for Luscan-Lumish syndrome. Last evaluated: 2025-06-04. Review status: criteria provided, single submitter. Criteria: Invitae Variant Classification Sherloc (09022015). Collection method: clinical testing. Allele origin: germline.

Revvity Omics, Revvity
Classification: Uncertain significance. Last evaluated: 2023-11-01. Review status: criteria provided, single submitter. Criteria: ACMG Guidelines, 2015. Collection method: clinical testing. Allele origin: germline.

CeGaT Center for Human Genetics Tuebingen
Classification: Likely benign. Last evaluated: 2023-06-01. Review status: criteria provided, single submitter. Criteria: CeGaT Center For Human Genetics Tuebingen Variant Classification Criteria Version 2. Collection method: clinical testing. Allele origin: germline. Affected: yes. Observed: 2 variant alleles.
Comment: SETD2: BS1

NM_014159.7(SETD2):c.2096A>G (p.Asp699Gly)

Gene: SETD2 (SET domain containing 2, histone lysine methyltransferase; minus strand). Cytogenetic location: 3p21.31.
Variant type: single nucleotide variant.
Coding change: c.2096A>G on transcript NM_014159.7 (MANE Select); coding-DNA position 2096, A replaced by G.
Protein change: p.Asp699Gly; replaces aspartic acid 699 with glycine.
Molecular consequence: missense variant. On other transcripts: non-coding transcript variant (1).
Genome position (GRCh38, 1-based): chr3:47,122,540, T>C on the plus strand (A>G on the coding strand, the complement: SETD2 is on the minus strand). VCF-style: chr3-47122540-T-C. GRCh37 (hg19) VCF-style: chr3-47164030-T-C.
Other names: c.1964A>G, p.Asp655Gly (NM_001349370.3); c.2096A>G (NM_014159.6); short protein forms D655G, D699G.
Identifiers: ClinVar variation 1129449 (VCV001129449.33), dbSNP rs368132877, ClinGen allele CA2363587.